The following is an entry in ClinVar:

ClinVar aggregate classification (germline): Pathogenic/Likely pathogenic. Review status: criteria provided, multiple submitters, no conflicts (2 of 4 stars). 16 submissions from 15 submitters: Pathogenic (12); Likely pathogenic (1). 3 of the submissions do not count toward it. Last evaluated 2025-12-25.

Conditions:
Atypical Rett syndrome. Also called: Rett like syndrome; Variant Rett Syndrome. Identifiers: Orphanet 3095, MedGen C2748910, MONDO:0017746.
CDKL5-related disorder.
Early-infantile developmental and epileptic encephalopathy. Identifiers: MedGen C5781758.
Developmental and epileptic encephalopathy, 2 (DEE2). Also called: CDKL5 deficiency disorder; INFANTILE SPASM SYNDROME, X-LINKED 2. Identifiers: Orphanet 1934, Orphanet 3451, Orphanet 505652, MedGen C4750718, MONDO:0010396, OMIM 300672.
Angelman syndrome-like. Identifiers: MedGen CN128785.
CDKL5 disorder. Identifiers: MedGen CN296942, MONDO:0100039.

Submissions (16):

3billion
Classification: Pathogenic for Developmental and epileptic encephalopathy, 2. Last evaluated: 2025-12-25. Review status: criteria provided, single submitter. Criteria: ACMG Guidelines, 2015. Collection method: clinical testing. Allele origin: germline. Affected: yes.
Comment: The variant is not observed in the gnomAD v4.1.0 dataset. Predicted Consequence/Location: Stop-gained (nonsense): predicted to result in a loss or disruption of normal protein function through nonsense-mediated decay (NMD) or protein truncation. Multiple pathogenic variants are reported downstream of the variant. The variant has been previously reported as de novo in a similarly affected individual (PMID: 27081548). The variant has been reported at least twice as pathogenic with clinical assertions and evidence for the classification (ClinVar ID: VCV000143781 /PMID: 19161156). Therefore, this variant is classified as Pathogenic according to the recommendation of ACMG/AMP guideline.

GeneDx
Classification: Pathogenic. Last evaluated: 2024-08-30. Review status: criteria provided, single submitter. Criteria: GeneDx Variant Classification Process June 2021. Collection method: clinical testing. Allele origin: germline. Affected: yes.
Comment: Mosaic variant in patients with seizures and intellectual disability previously tested at GeneDx and in the published literature (PMID: 28837158); Nonsense variant predicted to result in protein truncation or nonsense mediated decay in a gene for which loss-of-function is a known mechanism of disease; Not observed in large population cohorts (gnomAD); This variant is associated with the following publications: (PMID: 27823948, 22670135, 22779007, 23064044, 25525159, 19161156, 27770071, 27081548, 23583054, 30928302, 30460546, 22872100, 21770923, 33951346, 33047306, 31440721, 35982159, 33057194, 37201242, 28837158, 31313283)

Centre for Population Genomics, CPG
Classification: Pathogenic for CDKL5 disorder. Last evaluated: 2024-08-21. Review status: criteria provided, single submitter. Criteria: McKnight et al. (Hum Mutat. 2022). Collection method: curation. Allele origin: germline. Inheritance: X-linked inheritance.
Comment: This variant has been collected from RettBASE and curated to current modified ACMG/AMP criteria. Based on the classification scheme defined by the ClinGen Rett/Angelman-like Expert Panel for Rett/AS-like Disorders Specifications to the ACMG/AMP Variant Interpretation Guidelines VCEP 3.0, this variant is classified as pathogenic. At least the following criteria are met: Predicted to result in loss of function, and LOF is a known mechanism of disease (PVS1). This variant is absent from gnomAD v4 (PM2_Supporting). Has been observed in at least 2 individuals with phenotypes consistent with CDKL5 disorder (PS4_Supporting). PMID 19161156 Variation ID: 143781

Blueprint Genetics
Classification: Pathogenic for CDKL5-related disorders. Last evaluated: 2023-05-19. Review status: criteria provided, single submitter. Criteria: ACMG Guidelines, 2015. Collection method: clinical testing. Allele origin: germline. Affected: yes. Observed: 1 variant allele.

Unidad de Genómica Garrahan, Hospital de Pediatría Garrahan
Classification: Pathogenic for Early-infantile developmental and epileptic encephalopathy. Last evaluated: 2023-01-01. Review status: criteria provided, single submitter. Criteria: ACMG Guidelines, 2015. Collection method: clinical testing. Allele origin: germline. Affected: yes. Observed: 1 variant allele.
Comment: PVS1, PS2_moderate, PS4_supporting. Mosaicism.

Labcorp Genetics (formerly Invitae), Labcorp
Classification: Pathogenic for Developmental and epileptic encephalopathy, 2; Angelman syndrome-like. Last evaluated: 2021-04-24. Review status: criteria provided, single submitter. Criteria: Invitae Variant Classification Sherloc (09022015). Collection method: clinical testing. Allele origin: germline.
Comment: Loss-of-function variants in CDKL5 are known to be pathogenic (PMID: 22872100). This variant has been observed in individuals with epilepsy (PMID: 27770071, 27823948, 22872100) and to be de novo in an individual affected with suspected early onset encephalopathy (PMID: 19161156). ClinVar contains an entry for this variant (Variation ID: 143781). This variant is not present in population databases (ExAC no frequency). This sequence change creates a premature translational stop signal (p.Arg559*) in the CDKL5 gene. It is expected to result in an absent or disrupted protein product. For these reasons, this variant has been classified as Pathogenic.

Institute of Human Genetics, University of Leipzig Medical Center
Classification: Likely pathogenic for Developmental and epileptic encephalopathy, 2. Last evaluated: 2019-10-14. Review status: criteria provided, single submitter. Criteria: ACMG Guidelines, 2015. Collection method: clinical testing. Allele origin: germline. Affected: yes. Observed: 1 variant allele.
Comment: This variant was identified as hemizygous

Cytogénomique, Hospices Civils de Lyon
Classification: Pathogenic for Developmental and epileptic encephalopathy, 2. Last evaluated: 2017-07-11. Review status: criteria provided, single submitter. Criteria: ACMG Guidelines, 2015. Collection method: clinical testing. Allele origin: somatic. Inheritance: X-linked inheritance. Affected: yes.

Fulgent Genetics
Classification: Pathogenic for Developmental and epileptic encephalopathy, 2. Last evaluated: 2017-05-18. Review status: criteria provided, single submitter. Criteria: ACMG Guidelines, 2015. Collection method: clinical testing. Allele origin: unknown.

Genetic Services Laboratory, University of Chicago
Classification: Pathogenic for Epileptic encephalopathy, early infantile, 2. Last evaluated: 2013-02-08. Review status: criteria provided, single submitter. Criteria: ACMG Guidelines, 2007. Collection method: clinical testing. Allele origin: germline. Inheritance: X-linked inheritance. Affected: yes.

Clinical Genetics Service, Universitary Hospital 12 de Octubre
Classification: Pathogenic for Developmental and epileptic encephalopathy, 2. Review status: criteria provided, single submitter. Criteria: ACMG Guidelines, 2015. Collection method: clinical testing. Allele origin: germline. Affected: yes.

Imagene.me medical diagnostic laboratory, IMAGENE.ME SA
Classification: Pathogenic for Developmental and epileptic encephalopathy, 2. Review status: criteria provided, single submitter. Criteria: IMAGENE.ME Variant Classification SOP 2022. Collection method: clinical testing. Allele origin: de novo. Affected: yes.
Comment: Classified according to the IMAGENE.ME variant classification SOP based on the ACMG guidelines as Pathogenic (P): PVS1 + PS2 + PS4_Moderate + PM2 + PP4 + PP5

Institute of Human Genetics, University Hospital of Duesseldorf
Classification: Pathogenic for Developmental and epileptic encephalopathy, 2. Review status: criteria provided, single submitter. Criteria: ACMG Guidelines, 2015. Collection method: not provided. Allele origin: germline. Inheritance: X-linked recessive inheritance. Affected: yes.

Laboratory of Molecular Genetics (Pr. Bezieau's lab), CHU de Nantes
Classification: Pathogenic. Last evaluated: 2016-09-26. Review status: no assertion criteria provided. Collection method: clinical testing. Allele origin: germline. Affected: yes. Not counted in ClinVar's aggregate classification.

RettBASE
Classification: Pathogenic for Atypical Rett syndrome. Last evaluated: 2014-03-13. Review status: no assertion criteria provided. Collection method: curation. Allele origin: de novo. Affected: yes. Observed: 1 variant allele. Not counted in ClinVar's aggregate classification.

RettBASE
Classification: Pathogenic for Epileptic encephalopathy, early infantile, 2. Last evaluated: 2014-03-13. Review status: no assertion criteria provided. Collection method: curation. Allele origin: unknown. Affected: yes. Observed: 1 variant allele. Not counted in ClinVar's aggregate classification.

Literature cited by the submitters: PubMed 19161156 (cited by 4 submitters); PubMed 27081548 (cited by 3billion); PubMed 22872100 (cited by Labcorp Genetics (formerly Invitae), Labcorp); PubMed 27770071 (cited by Labcorp Genetics (formerly Invitae), Labcorp); PubMed 27823948 (cited by Labcorp Genetics (formerly Invitae), Labcorp); PubMed 21770923 (cited by RettBASE).

NM_001323289.2(CDKL5):c.1675C>T (p.Arg559Ter)

Gene: CDKL5 (cyclin dependent kinase like 5; plus strand). Cytogenetic location: Xp22.13.
Variant type: single nucleotide variant.
Coding change: c.1675C>T on transcript NM_001323289.2 (MANE Select); coding-DNA position 1675, C replaced by T.
Protein change: p.Arg559Ter; replaces arginine 559 with a stop codon.
Molecular consequence: nonsense.
Genome position (GRCh38, 1-based): chrX:18,604,599, C>T. VCF-style: chrX-18604599-C-T. GRCh37 (hg19) VCF-style: chrX-18622719-C-T.
Other names: p.R559*:CGA>TGA; NM_001323289.2(CDKL5):c.1675C>T; p.Arg559Ter; NP_001310218.1:p.(Arg559Ter); c.1675C>T, p.Arg559Ter (NM_001037343.2, NM_003159.3); short protein forms R559*.
Identifiers: ClinVar variation 143781 (VCV000143781.28), dbSNP rs267608395, ClinGen allele CA171614.